The following is an entry in ClinVar:

NM_006206.6(PDGFRA):c.367+4dup

Gene: PDGFRA (platelet derived growth factor receptor alpha; plus strand). Cytogenetic location: 4q12.
Variant type: Duplication.
Coding change: c.367+4dup on transcript NM_006206.6 (MANE Select); 4 bases into the intron after coding-DNA position 367, one base duplicated (A; older notation c.367+4dupA).
Molecular consequence: intron variant.
Genome position (GRCh38, 1-based): chr4:54,261,416, A duplicated. VCF-style (leftmost placement, unchanged base first): chr4-54261415-G-GA. GRCh37 (hg19) VCF-style: chr4-55127582-G-GA.
Other names: c.367+4dupA (NM_006206.4); c.442+4dup (NM_001347828.2); c.367+4dup (NM_001347827.2, NM_001347829.2); c.406+4dup (NM_001347830.2).
Identifiers: ClinVar variation 459097 (VCV000459097.8), dbSNP rs1553902459, ClinGen allele CA658655834.

ClinVar aggregate classification (germline): Uncertain significance. Review status: criteria provided, multiple submitters, no conflicts (2 of 4 stars). 2 submissions from 2 submitters: Uncertain significance (2). Last evaluated 2026-04-28.

Conditions:
Gastrointestinal stromal tumor. Also called: Gastrointestinal stroma tumor; Gastrointestinal stromal tumor, somatic. Identifiers: Orphanet 44890, MedGen C0238198, MeSH D046152, MONDO:0011719, OMIM 606764, HP:0100723.
Hereditary cancer-predisposing syndrome. Also called: Tumor predisposition; Hereditary neoplastic syndrome; Neoplastic Syndromes, Hereditary; Hereditary Cancer Syndrome. Identifiers: Orphanet 140162, MedGen C0027672, MeSH D009386, MONDO:0015356.

Submissions (2):

Ambry Genetics
Classification: Uncertain significance for Hereditary cancer-predisposing syndrome. Last evaluated: 2026-04-28. Review status: criteria provided, single submitter. Criteria: Ambry Variant Classification Scheme 2023. Collection method: clinical testing. Allele origin: germline.
Comment: The c.367+4dupA intronic variant, results from a duplication of two nucleotides at nucleotide position 367 after intron 2 of the PDGFRA gene. This nucleotide position is well conserved in available vertebrate species. In silico splice site analysis predicts that this alteration may weaken the native splice donor site. Based on the available evidence, the clinical significance of this variant remains unclear.

Labcorp Genetics (formerly Invitae), Labcorp
Classification: Uncertain significance for Gastrointestinal stromal tumor. Last evaluated: 2022-07-19. Review status: criteria provided, single submitter. Criteria: Invitae Variant Classification Sherloc (09022015). Collection method: clinical testing. Allele origin: germline.
Comment: In summary, the available evidence is currently insufficient to determine the role of this variant in disease. Therefore, it has been classified as a Variant of Uncertain Significance. Variants that disrupt the consensus splice site are a relatively common cause of aberrant splicing (PMID: 17576681, 9536098). Algorithms developed to predict the effect of sequence changes on RNA splicing suggest that this variant may disrupt the consensus splice site. ClinVar contains an entry for this variant (Variation ID: 459097). This variant has not been reported in the literature in individuals affected with PDGFRA-related conditions. This variant is not present in population databases (gnomAD no frequency). This sequence change falls in intron 3 of the PDGFRA gene. It does not directly change the encoded amino acid sequence of the PDGFRA protein. It affects a nucleotide within the consensus splice site.

Literature cited by the submitters: PubMed 17576681 (cited by Labcorp Genetics (formerly Invitae), Labcorp); PubMed 9536098 (cited by Labcorp Genetics (formerly Invitae), Labcorp).